The following is an entry in ClinVar:

NM_012310.5(KIF4A):c.2365G>A (p.Glu789Lys)

Gene: KIF4A (kinesin family member 4A; plus strand). Cytogenetic location: Xq13.1.
Variant type: single nucleotide variant.
Coding change: c.2365G>A on transcript NM_012310.5 (MANE Select); coding-DNA position 2365, G replaced by A.
Protein change: p.Glu789Lys; replaces glutamic acid 789 with lysine.
Molecular consequence: missense variant.
Genome position (GRCh38, 1-based): chrX:70,395,803, G>A. VCF-style: chrX-70395803-G-A. GRCh37 (hg19) VCF-style: chrX-69615653-G-A.
Other names: short protein forms E789K.
Identifiers: ClinVar variation 3254800 (VCV003254800.1), dbSNP rs866149939.

ClinVar aggregate classification (germline): Uncertain significance (1 of 4 stars; one submission).

Conditions:
Intellectual developmental disorder, X-linked 100. Also called: Intellectual disability, X-linked 100. Identifiers: MedGen C3890167, MONDO:0010488, OMIM 300923.

Submission:

Victorian Clinical Genetics Services, Murdoch Childrens Research Institute
Classification: Uncertain significance for Intellectual developmental disorder, X-linked 100. Last evaluated: 2023-07-17. Review status: criteria provided, single submitter. Criteria: ACMG Guidelines, 2015. Collection method: clinical testing. Allele origin: germline. Inheritance: X-linked recessive inheritance. Affected: yes.
Comment: Based on the classification scheme VCGS_Germline_v1.3.4, this variant is classified as VUS-3B. Following criteria are met: 0102 - Loss of function is a known mechanism of disease in this gene and is associated with Intellectual developmental disorder 100 (MIM#300923). (I) 0109 - This gene is associated with X-linked recessive disease. (I) 0200 - Variant is predicted to result in a missense amino acid change from glutamic acid to lysine. (I) 0253 - This variant is hemizygous. (I) 0301 - Variant is absent from gnomAD (both v2 and v3). (SP) 0502 - Missense variant with conflicting in silico predictions and uninformative conservation. (I) 0604 - Variant is not located in an established domain, motif, hotspot or informative constraint region. (I) 0705 - No comparable missense variants have previous evidence for pathogenicity. (I) 0807 - This variant has no previous evidence of pathogenicity. (I) 0905 - No published segregation evidence has been identified for this variant. (I) 1007 - No published functional evidence has been identified for this variant. (I) Legend: (SP) - Supporting pathogenic, (I) - Information, (SB) - Supporting benign